The following is an entry in ClinVar:

NM_000038.6(APC):c.5808A>G (p.Ser1936=)

Gene: APC (APC regulator of Wnt signaling pathway; plus strand). Cytogenetic location: 5q22.2.
Variant type: single nucleotide variant.
Coding change: c.5808A>G on transcript NM_000038.6 (MANE Select); coding-DNA position 5808, A replaced by G.
Protein change: p.Ser1936=; no amino-acid change (serine 1936 retained).
Molecular consequence: synonymous variant. On other transcripts: non-coding transcript variant (2).
Genome position (GRCh38, 1-based): chr5:112,841,402, A>G. VCF-style: chr5-112841402-A-G. GRCh37 (hg19) VCF-style: chr5-112177099-A-G.
Other names: c.5862A>G, p.Ser1954= (NM_001407449.1, NM_001407447.1, NM_001407448.1 and 1 more transcripts); c.5892A>G, p.Ser1964= (NM_001407446.1); c.5328A>G, p.Ser1776= (NM_001354905.2); c.4959A>G, p.Ser1653= (NM_001354906.2, NM_001407470.1); c.5505A>G, p.Ser1835= (NM_001407458.1, NM_001407459.1, NM_001407460.1 and 1 more transcripts); c.5559A>G, p.Ser1853= (NM_001407457.1, NM_001407454.1, NM_001407455.1 and 1 more transcripts); c.5808A>G, p.Ser1936= (NM_001127510.3, NM_001354895.2, NM_001407450.1); c.5754A>G, p.Ser1918= (NM_001127511.3); and 11 more.
Identifiers: ClinVar variation 3254511 (VCV003254511.3), dbSNP rs2149949760.
Genomic context (GRCh38, chr5:112,841,402, plus strand): 5'-GCCAATAAATCGAGGTCAGCCTAAACCCATACTTCAGAAACAATCCACTTTTCCCCAGTC[A>G]TCCAAAGACATACCAGACAGAGGGGCAGCAACTGATGAAAAGTTACAGAATTTTGCTATT-3'
Protein context (NP_000029.2, residues 1926-1946): ILQKQSTFPQ[Ser1936=]SKDIPDRGAA

ClinVar aggregate classification (germline): Benign/Likely benign. Review status: criteria provided, multiple submitters, no conflicts (2 of 4 stars). 2 submissions from 2 submitters: Benign (1); Likely benign (1). Last evaluated 2024-04-02.

Conditions:
Familial adenomatous polyposis 1 (FAP1). Also called: FAMILIAL ADENOMATOUS POLYPOSIS 1, ATTENUATED; POLYPOSIS, ADENOMATOUS INTESTINAL. Identifiers: MedGen C2713442, MONDO:0021056, OMIM 175100. Disease mechanism: loss of function.

Submissions (2):

Myriad Genetics, Inc.
Classification: Benign for Familial adenomatous polyposis 1. Last evaluated: 2024-04-02. Review status: criteria provided, single submitter. Criteria: Myriad Autosomal Dominant, Autosomal Recessive and X-Linked Classification Criteria (2023). Collection method: clinical testing. Allele origin: unknown.
Comment: This variant is considered benign. This variant is a silent/synonymous amino acid change and it is not expected to impact splicing.

Labcorp Genetics (formerly Invitae), Labcorp
Classification: Likely benign for Familial adenomatous polyposis 1. Last evaluated: 2024-02-14. Review status: criteria provided, single submitter. Criteria: Invitae Variant Classification Sherloc (09022015). Collection method: clinical testing. Allele origin: germline.